The following is an entry in ClinVar:

NM_001017995.3(SH3PXD2B):c.1462T>C (p.Trp488Arg)

Gene: SH3PXD2B (SH3 and PX domains 2B; minus strand). Cytogenetic location: 5q35.1.
Variant type: single nucleotide variant.
Coding change: c.1462T>C on transcript NM_001017995.3 (MANE Select); coding-DNA position 1462, T replaced by C.
Protein change: p.Trp488Arg; replaces tryptophan 488 with arginine.
Molecular consequence: missense variant. On other transcripts: intron variant (1).
Genome position (GRCh38, 1-based): chr5:172,339,643, A>G on the plus strand (T>C on the coding strand, the complement: SH3PXD2B is on the minus strand). VCF-style: chr5-172339643-A-G. GRCh37 (hg19) VCF-style: chr5-171766647-A-G.
Other names: c.1188+6493T>C (NM_001308175.2); short protein forms W488R.
Identifiers: ClinVar variation 1411112 (VCV001411112.8), dbSNP rs200664799, ClinGen allele CA132184349.

ClinVar aggregate classification (germline): Uncertain significance (1 of 4 stars; one submission).

Allele frequency attached by ClinVar (database versions not stated): gnomAD exomes below 0.00001; 1000 Genomes Project 30x 0.00016; 1000 Genomes Project 0.00020.
gnomAD v4.1: 1 of 1,614,206 alleles (0.000062%); highest among the groups gnomAD compares: East Asian, 0.0022%; no homozygotes.

Submission:

Labcorp Genetics (formerly Invitae), Labcorp
Classification: Uncertain significance. Last evaluated: 2021-02-21. Review status: criteria provided, single submitter. Criteria: Invitae Variant Classification Sherloc (09022015). Collection method: clinical testing. Allele origin: germline.
Comment: This sequence change replaces tryptophan with arginine at codon 488 of the SH3PXD2B protein (p.Trp488Arg). The tryptophan residue is highly conserved and there is a moderate physicochemical difference between tryptophan and arginine. This variant is not present in population databases (ExAC no frequency). This variant has not been reported in the literature in individuals with SH3PXD2B-related conditions. Algorithms developed to predict the effect of missense changes on protein structure and function (SIFT, PolyPhen-2, Align-GVGD) all suggest that this variant is likely to be disruptive, but these predictions have not been confirmed by published functional studies and their clinical significance is uncertain. In summary, the available evidence is currently insufficient to determine the role of this variant in disease. Therefore, it has been classified as a Variant of Uncertain Significance.